The following is an entry in ClinVar:

ClinVar aggregate classification (germline): Uncertain significance (1 of 4 stars; one submission).

Conditions:
Combined immunodeficiency due to LRBA deficiency. Also called: Common variable immunodeficiency 8, with autoimmunity. Identifiers: Orphanet 445018, MedGen C3553512, MONDO:0013863, OMIM 614700.

Allele frequency attached by ClinVar (database versions not stated): gnomAD exomes below 0.00001.
gnomAD v4.1: 1 of 1,614,100 alleles (0.000062%); highest among the groups gnomAD compares: Non-Finnish European, 0.000085%; no homozygotes.

Submission:

Labcorp Genetics (formerly Invitae), Labcorp
Classification: Uncertain significance for Combined immunodeficiency due to LRBA deficiency. Last evaluated: 2024-02-24. Review status: criteria provided, single submitter. Criteria: Invitae Variant Classification Sherloc (09022015). Collection method: clinical testing. Allele origin: germline.
Comment: This sequence change replaces threonine, which is neutral and polar, with serine, which is neutral and polar, at codon 1194 of the LRBA protein (p.Thr1194Ser). This variant is not present in population databases (gnomAD no frequency). This variant has not been reported in the literature in individuals affected with LRBA-related conditions. ClinVar contains an entry for this variant (Variation ID: 2005958). An algorithm developed to predict the effect of missense changes on protein structure and function (PolyPhen-2) suggests that this variant is likely to be tolerated. In summary, the available evidence is currently insufficient to determine the role of this variant in disease. Therefore, it has been classified as a Variant of Uncertain Significance.

NM_001364905.1(LRBA):c.3581C>G (p.Thr1194Ser)

Gene: LRBA (LPS responsive beige-like anchor protein; minus strand). Cytogenetic location: 4q31.3.
Variant type: single nucleotide variant.
Coding change: c.3581C>G on transcript NM_001364905.1 (MANE Select); coding-DNA position 3581, C replaced by G.
Protein change: p.Thr1194Ser; replaces threonine 1194 with serine.
Molecular consequence: missense variant.
Genome position (GRCh38, 1-based): chr4:150,852,129, G>C on the plus strand (C>G on the coding strand, the complement: LRBA is on the minus strand). VCF-style: chr4-150852129-G-C. GRCh37 (hg19) VCF-style: chr4-151773281-G-C.
Other names: c.3581C>G, p.Thr1194Ser (NM_001199282.3, NM_001367550.1, NM_006726.5); short protein forms T1194S.
Identifiers: ClinVar variation 2005958 (VCV002005958.4), dbSNP rs2546499380, ClinGen allele CA358456738.
Genomic context (GRCh38, chr4:150,852,129, plus strand): 5'-TTCTTCCCTTCCTCCAGCATCTGACCAAGGTCTGATTCTACAGCTATTTGGGAAACAGTA[G>C]TTTCTGGTGACATAGCTGAAGACCCTGATGCTGTCATAGTCTGAATTCCAGAATCTTTAG-3'
Protein context (NP_001351834.1, residues 1184-1204): ASGSSAMSPE[Thr1194Ser]TVSQIAVESD